The following is an entry in ClinVar:

NM_006785.4(MALT1):c.1359A>C (p.Glu453Asp)

Gene: MALT1 (MALT1 paracaspase; plus strand). Cytogenetic location: 18q21.32.
Variant type: single nucleotide variant.
Coding change: c.1359A>C on transcript NM_006785.4 (MANE Select); coding-DNA position 1359, A replaced by C.
Protein change: p.Glu453Asp; replaces glutamic acid 453 with aspartic acid.
Molecular consequence: missense variant.
Genome position (GRCh38, 1-based): chr18:58,733,533, A>C. VCF-style: chr18-58733533-A-C. GRCh37 (hg19) VCF-style: chr18-56400765-A-C.
Other names: c.1326A>C, p.Glu442Asp (NM_173844.3); short protein forms E453D, E442D.
Identifiers: ClinVar variation 1043644 (VCV001043644.8), dbSNP rs2055183266, ClinGen allele CA402574764.

ClinVar aggregate classification (germline): Uncertain significance (1 of 4 stars; one submission).

Conditions:
Combined immunodeficiency due to MALT1 deficiency. Also called: Immunodeficiency 12. Identifiers: Orphanet 397964, MedGen C3809583, MONDO:0014197, OMIM 615468.

Submission:

Labcorp Genetics (formerly Invitae), Labcorp
Classification: Uncertain significance for Combined immunodeficiency due to MALT1 deficiency. Last evaluated: 2022-10-08. Review status: criteria provided, single submitter. Criteria: Invitae Variant Classification Sherloc (09022015). Collection method: clinical testing. Allele origin: germline.
Comment: In summary, the available evidence is currently insufficient to determine the role of this variant in disease. Therefore, it has been classified as a Variant of Uncertain Significance. Advanced modeling of protein sequence and biophysical properties (such as structural, functional, and spatial information, amino acid conservation, physicochemical variation, residue mobility, and thermodynamic stability) performed at Invitae indicates that this missense variant is not expected to disrupt MALT1 protein function. ClinVar contains an entry for this variant (Variation ID: 1043644). This variant has not been reported in the literature in individuals affected with MALT1-related conditions. This variant is not present in population databases (gnomAD no frequency). This sequence change replaces glutamic acid, which is acidic and polar, with aspartic acid, which is acidic and polar, at codon 453 of the MALT1 protein (p.Glu453Asp).